The following is an entry in ClinVar:

NM_033026.6(PCLO):c.120C>T (p.Gly40=)

Gene: PCLO (piccolo presynaptic cytomatrix protein; minus strand). Cytogenetic location: 7q21.11.
Variant type: single nucleotide variant.
Coding change: c.120C>T on transcript NM_033026.6 (MANE Select); coding-DNA position 120, C replaced by T.
Protein change: p.Gly40=; no amino-acid change (glycine 40 retained).
Molecular consequence: synonymous variant.
Genome position (GRCh38, 1-based): chr7:83,162,473, G>A on the plus strand (C>T on the coding strand, the complement: PCLO is on the minus strand). VCF-style: chr7-83162473-G-A. GRCh37 (hg19) VCF-style: chr7-82791789-G-A.
Other names: c.120C>T, p.Gly40= (NM_014510.3).
Identifiers: ClinVar variation 1470944 (VCV001470944.8), dbSNP rs2116714177, ClinGen allele CA456344316.

ClinVar aggregate classification (germline): Uncertain significance (1 of 4 stars; one submission).

Submission:

Labcorp Genetics (formerly Invitae), Labcorp
Classification: Uncertain significance. Last evaluated: 2022-08-09. Review status: criteria provided, single submitter. Criteria: Invitae Variant Classification Sherloc (09022015). Collection method: clinical testing. Allele origin: germline.
Comment: ClinVar contains an entry for this variant (Variation ID: 1470944). In summary, the available evidence is currently insufficient to determine the role of this variant in disease. Therefore, it has been classified as a Variant of Uncertain Significance. Algorithms developed to predict the effect of sequence changes on RNA splicing suggest that this variant may create or strengthen a splice site. This variant has not been reported in the literature in individuals affected with PCLO-related conditions. This variant is not present in population databases (gnomAD no frequency). This sequence change affects codon 40 of the PCLO mRNA. It is a 'silent' change, meaning that it does not change the encoded amino acid sequence of the PCLO protein.